The following is an entry in ClinVar:

NM_000465.4(BARD1):c.234C>T (p.Cys78=)

Gene: BARD1 (BRCA1 associated RING domain 1; minus strand). Cytogenetic location: 2q35.
Variant type: single nucleotide variant.
Coding change: c.234C>T on transcript NM_000465.4 (MANE Select); coding-DNA position 234, C replaced by T.
Protein change: p.Cys78=; no amino-acid change (cysteine 78 retained).
Molecular consequence: synonymous variant. On other transcripts: non-coding transcript variant (1), intron variant (2).
Genome position (GRCh38, 1-based): chr2:214,792,427, G>A on the plus strand (C>T on the coding strand, the complement: BARD1 is on the minus strand). VCF-style: chr2-214792427-G-A. GRCh37 (hg19) VCF-style: chr2-215657151-G-A.
Other names: c.177C>T, p.Cys59= (NM_001282543.2); c.234C>T, p.Cys78= (NM_001282549.2); c.158+16985C>T (NM_001282548.2); c.215+4634C>T (NM_001282545.2).
Identifiers: ClinVar variation 3378827 (VCV003378827.1).

ClinVar aggregate classification (germline): Benign (1 of 4 stars; one submission).

Conditions:
Familial cancer of breast. Also called: hereditary breast carcinoma; Hereditary breast cancer; BREAST CANCER, FAMILIAL. Identifiers: Orphanet 227535, MedGen C0346153, MONDO:0016419, OMIM 114480. Disease mechanism: loss of function.

Submission:

Myriad Genetics, Inc.
Classification: Benign for Familial cancer of breast. Last evaluated: 2024-07-19. Review status: criteria provided, single submitter. Criteria: Myriad Autosomal Dominant, Autosomal Recessive and X-Linked Classification Criteria (2023). Collection method: clinical testing. Allele origin: unknown.
Comment: This variant is considered benign. This variant is a silent/synonymous amino acid change and it is not expected to impact splicing.